The following is an entry in ClinVar:

NM_001130144.3(LTBP3):c.2829C>G (p.Cys943Trp)

Gene: LTBP3 (latent transforming growth factor beta binding protein 3; minus strand). Cytogenetic location: 11q13.1.
Variant type: single nucleotide variant.
Coding change: c.2829C>G on transcript NM_001130144.3 (MANE Select); coding-DNA position 2829, C replaced by G.
Protein change: p.Cys943Trp; replaces cysteine 943 with tryptophan.
Molecular consequence: missense variant.
Genome position (GRCh38, 1-based): chr11:65,541,190, G>C on the plus strand (C>G on the coding strand, the complement: LTBP3 is on the minus strand). VCF-style: chr11-65541190-G-C. GRCh37 (hg19) VCF-style: chr11-65308661-G-C.
Other names: c.2478C>G, p.Cys826Trp (NM_001164266.1); c.2829C>G, p.Cys943Trp (NM_021070.4); short protein forms C826W, C943W.
Identifiers: ClinVar variation 4780810 (VCV004780810.2).

ClinVar aggregate classification (germline): Uncertain significance/VUS-mid. Review status: criteria provided, multiple submitters, no conflicts (2 of 4 stars). 2 submissions from 2 submitters: Uncertain significance (1); VUS-mid (1). Last evaluated 2025-11-25.

Conditions:
Brachyolmia-amelogenesis imperfecta syndrome. Also called: Tooth agenesis, selective, 6; Dental anomalies and short stature; PLATYSPONDYLY WITH AMELOGENESIS IMPERFECTA. Identifiers: Orphanet 2899, MedGen C1832594, MONDO:0011018, OMIM 601216. Disease mechanism: loss of function.

Submissions (2):

Labcorp Genetics (formerly Invitae), Labcorp
Classification: Uncertain significance for Brachyolmia-amelogenesis imperfecta syndrome. Last evaluated: 2025-11-25. Review status: criteria provided, single submitter. Criteria: Invitae Variant Classification Sherloc (09022015). Collection method: clinical testing. Allele origin: germline.
Comment: This sequence change replaces cysteine, which is neutral and slightly polar, with tryptophan, which is neutral and slightly polar, at codon 943 of the LTBP3 protein (p.Cys943Trp). This variant is not present in population databases (gnomAD no frequency). This missense change has been observed in individual(s) with autosomal recessive LTBP3-related conditions (internal data). In at least one individual the data is consistent with being in trans (on the opposite chromosome) from a pathogenic variant. An algorithm developed to predict the effect of missense changes on protein structure and function (PolyPhen-2) suggests that this variant is likely to be disruptive. In summary, the available evidence is currently insufficient to determine the role of this variant in disease. Therefore, it has been classified as a Variant of Uncertain Significance.

Equipe Genetique des Anomalies du Developpement, Université de Bourgogne
Classification: VUS-mid for Brachyolmia-amelogenesis imperfecta syndrome. Last evaluated: 2022-05-09. Review status: criteria provided, single submitter. Criteria: ACMG Guidelines, 2015. Collection method: clinical testing. Allele origin: inherited. Inheritance: Autosomal recessive inheritance. Affected: yes. Observed: 1 variant allele.
Comment: The analysis of exome data led to the identification of two compound heterozygous variants in the LTBP3 gene. The variant is absent from the gnomAD database (v4.1.0). It affects an amino acid that is conserved throughout evolution. Several in silico prediction tools predict a deleterious effect. However, pathogenic variants reported in the literature are typically those resulting in a premature stop codon, unlike this variant. Based on current knowledge, this sequence variant is considered to be of uncertain significance.